The following is an entry in ClinVar:

NM_032444.4(SLX4):c.192A>C (p.Lys64Asn)

Gene: SLX4 (SLX4 structure-specific endonuclease subunit; minus strand). Cytogenetic location: 16p13.3.
Variant type: single nucleotide variant.
Coding change: c.192A>C on transcript NM_032444.4 (MANE Select); coding-DNA position 192, A replaced by C.
Protein change: p.Lys64Asn; replaces lysine 64 with asparagine.
Molecular consequence: missense variant.
Genome position (GRCh38, 1-based): chr16:3,608,773, T>G on the plus strand (A>C on the coding strand, the complement: SLX4 is on the minus strand). VCF-style: chr16-3608773-T-G. GRCh37 (hg19) VCF-style: chr16-3658774-T-G.
Other names: short protein forms K64N.
Identifiers: ClinVar variation 1019871 (VCV001019871.8), dbSNP rs756720856, ClinGen allele CA394547752.

ClinVar aggregate classification (germline): Uncertain significance (1 of 4 stars; one submission).

Conditions:
Fanconi anemia (FA). Also called: Fanconi's anemia. Identifiers: Orphanet 84, MedGen C0015625, MeSH D005199, MONDO:0019391.

gnomAD v4.1: 1 of 1,614,190 alleles (0.000062%); highest among the groups gnomAD compares: Non-Finnish European, 0.000085%; no homozygotes.

Submission:

Labcorp Genetics (formerly Invitae), Labcorp
Classification: Uncertain significance for Fanconi anemia. Last evaluated: 2023-05-09. Review status: criteria provided, single submitter. Criteria: Invitae Variant Classification Sherloc (09022015). Collection method: clinical testing. Allele origin: germline.
Comment: In summary, the available evidence is currently insufficient to determine the role of this variant in disease. Therefore, it has been classified as a Variant of Uncertain Significance. An algorithm developed to predict the effect of missense changes on protein structure and function (PolyPhen-2) suggests that this variant is likely to be disruptive. ClinVar contains an entry for this variant (Variation ID: 1019871). This variant has not been reported in the literature in individuals affected with SLX4-related conditions. This variant is not present in population databases (gnomAD no frequency). This sequence change replaces lysine, which is basic and polar, with asparagine, which is neutral and polar, at codon 64 of the SLX4 protein (p.Lys64Asn).